The following is an entry in ClinVar:

NM_005732.4(RAD50):c.866T>G (p.Leu289Arg)

Gene: RAD50 (RAD50 double strand break repair protein; plus strand). Cytogenetic location: 5q31.1.
Variant type: single nucleotide variant.
Coding change: c.866T>G on transcript NM_005732.4 (MANE Select); coding-DNA position 866, T replaced by G.
Protein change: p.Leu289Arg; replaces leucine 289 with arginine.
Molecular consequence: missense variant.
Genome position (GRCh38, 1-based): chr5:132,587,671, T>G. VCF-style: chr5-132587671-T-G. GRCh37 (hg19) VCF-style: chr5-131923363-T-G.
Other names: short protein forms L289R.
Identifiers: ClinVar variation 963386 (VCV000963386.10), dbSNP rs1423144419, ClinGen allele CA360940534.
Genomic context (GRCh38, chr5:132,587,671, plus strand): 5'-ACAATGAAATTAAAGCCTTGGATAGCCGAAAGAAGCAAATGGAGAAAGATAATAGTGAAC[T>G]GGAAGAGAAAATGGAAAAGGTTTGTGGTGGTAGAATTTTGTTCTGCTTCAAAATTTTGGG-3'
Protein context (NP_005723.2, residues 279-299): KKQMEKDNSE[Leu289Arg]EEKMEKVFQG

ClinVar aggregate classification (germline): Uncertain significance (1 of 4 stars; one submission).

Conditions:
Hereditary cancer-predisposing syndrome. Also called: Tumor predisposition; Hereditary neoplastic syndrome; Hereditary Cancer Syndrome; Neoplastic Syndromes, Hereditary. Identifiers: Orphanet 140162, MedGen C0027672, MeSH D009386, MONDO:0015356.

Allele frequency attached by ClinVar (database versions not stated): gnomAD exomes below 0.00001 and 0.00001.
gnomAD v4.1: 3 of 1,613,794 alleles (0.00019%); highest among the groups gnomAD compares: South Asian, 0.0033%; no homozygotes.

Submission:

Labcorp Genetics (formerly Invitae), Labcorp
Classification: Uncertain significance for Hereditary cancer-predisposing syndrome. Last evaluated: 2019-10-11. Review status: criteria provided, single submitter. Criteria: Invitae Variant Classification Sherloc (09022015). Collection method: clinical testing. Allele origin: germline.
Comment: This sequence change replaces leucine with arginine at codon 289 of the RAD50 protein (p.Leu289Arg). The leucine residue is highly conserved and there is a moderate physicochemical difference between leucine and arginine. This variant is not present in population databases (ExAC no frequency). This variant has not been reported in the literature in individuals with RAD50-related conditions. Algorithms developed to predict the effect of missense changes on protein structure and function (SIFT, PolyPhen-2, Align-GVGD) all suggest that this variant is likely to be disruptive, but these predictions have not been confirmed by published functional studies and their clinical significance is uncertain. In summary, the available evidence is currently insufficient to determine the role of this variant in disease. Therefore, it has been classified as a Variant of Uncertain Significance.